The following is an entry in ClinVar:

ClinVar aggregate classification (germline): Uncertain significance (1 of 4 stars; one submission).

Allele frequency attached by ClinVar (database versions not stated): TOPMed 0.00001.

Submission:

Labcorp Genetics (formerly Invitae), Labcorp
Classification: Uncertain significance. Last evaluated: 2025-09-02. Review status: criteria provided, single submitter. Criteria: Invitae Variant Classification Sherloc (09022015). Collection method: clinical testing. Allele origin: germline.
Comment: This sequence change affects codon 348 of the GPR45 mRNA. It is a 'silent' change, meaning that it does not change the encoded amino acid sequence of the GPR45 protein. This variant is not present in population databases (gnomAD no frequency). This variant has not been reported in the literature in individuals affected with GPR45-related conditions. ClinVar contains an entry for this variant (Variation ID: 2854841). In summary, the available evidence is currently insufficient to determine the role of this variant in disease. Therefore, it has been classified as a Variant of Uncertain Significance.

NM_007227.3(GPR45):c.1044A>G (p.Lys348=)

Gene: GPR45 (G protein-coupled receptor 45; plus strand). Cytogenetic location: 2q12.1.
Variant type: single nucleotide variant.
Coding change: c.1044A>G on transcript NM_007227.3 (MANE Select); coding-DNA position 1044, A replaced by G.
Protein change: p.Lys348=; no amino-acid change (lysine 348 retained).
Molecular consequence: synonymous variant.
Genome position (GRCh38, 1-based): chr2:105,242,902, A>G. VCF-style: chr2-105242902-A-G. GRCh37 (hg19) VCF-style: chr2-105859359-A-G.
Identifiers: ClinVar variation 2854841 (VCV002854841.3), dbSNP rs1676379296, ClinGen allele CA428208610.